The following is an entry in ClinVar:

NM_004817.4(TJP2):c.3529G>A (p.Gly1177Ser)

Gene: TJP2 (tight junction protein 2; plus strand). Cytogenetic location: 9q21.11.
Variant type: single nucleotide variant.
Coding change: c.3529G>A on transcript NM_004817.4 (MANE Select); coding-DNA position 3529, G replaced by A.
Protein change: p.Gly1177Ser; replaces glycine 1177 with serine.
Molecular consequence: missense variant.
Genome position (GRCh38, 1-based): chr9:69,254,330, G>A. VCF-style: chr9-69254330-G-A. GRCh37 (hg19) VCF-style: chr9-71869246-G-A.
Other names: c.3019G>A, p.Gly1007Ser (NM_001170414.2); c.3430G>A, p.Gly1144Ser (NM_001170415.1); c.3622G>A, p.Gly1208Ser (NM_001170416.2); c.3454G>A, p.Gly1152Ser (NM_001369870.1); c.3460G>A, p.Gly1154Ser (NM_001369871.1); c.3418G>A, p.Gly1140Ser (NM_001369872.1); c.3205G>A, p.Gly1069Ser (NM_001369873.1); c.3100G>A, p.Gly1034Ser (NM_001369874.1); and 2 more; short protein forms G1030S, G1034S, G1177S, G1181S, G1208S, G1007S, G1140S, G1152S.
Identifiers: ClinVar variation 2291918 (VCV002291918.3), dbSNP rs377241881, ClinGen allele CA5074009.

ClinVar aggregate classification (germline): Uncertain significance. Review status: criteria provided, multiple submitters, no conflicts (2 of 4 stars). 2 submissions from 2 submitters: Uncertain significance (2). Last evaluated 2024-03-19.

Conditions:
Inborn genetic diseases. Identifiers: MedGen C0950123, MeSH D030342.

Allele frequency attached by ClinVar (database versions not stated): ExAC 0.00002; ESP Exome Variant Server 0.00008; gnomAD 0.00009; TOPMed 0.00009; 1000 Genomes Project 30x 0.00016; 1000 Genomes Project 0.00020.
gnomAD v4.1: 65 of 1,614,240 alleles (0.004%); highest among the groups gnomAD compares: African/African-American, 0.027%; no homozygotes.

Submissions (2):

GeneDx
Classification: Uncertain significance. Last evaluated: 2024-03-19. Review status: criteria provided, single submitter. Criteria: GeneDx Variant Classification Process June 2021. Collection method: clinical testing. Allele origin: germline. Affected: yes.
Comment: In silico analysis supports that this missense variant does not alter protein structure/function; Has not been previously published as pathogenic or benign to our knowledge

Ambry Genetics
Classification: Uncertain significance for Inborn genetic diseases. Last evaluated: 2022-05-27. Review status: criteria provided, single submitter. Criteria: Ambry Variant Classification Scheme 2023. Collection method: clinical testing. Allele origin: germline.